The following is an entry in ClinVar:

ClinVar aggregate classification (germline): Pathogenic (1 of 4 stars; one submission).

Conditions:
Familial adenomatous polyposis 1 (FAP1). Also called: POLYPOSIS, ADENOMATOUS INTESTINAL; FAMILIAL ADENOMATOUS POLYPOSIS 1, ATTENUATED. Identifiers: MedGen C2713442, MONDO:0021056, OMIM 175100. Disease mechanism: loss of function.

Submission:

Myriad Genetics, Inc.
Classification: Pathogenic for Familial adenomatous polyposis 1. Last evaluated: 2023-05-04. Review status: criteria provided, single submitter. Criteria: Myriad Autosomal Dominant, Autosomal Recessive and X-Linked Classification Criteria (2023). Collection method: clinical testing. Allele origin: unknown.
Comment: This variant is considered pathogenic. This variant creates a frameshift predicted to result in premature protein truncation.

NM_000038.6(APC):c.2498_2503delinsTCAAGAGGATGTTA (p.Ser833fs)

Gene: APC (APC regulator of Wnt signaling pathway; plus strand). Cytogenetic location: 5q22.2.
Variant type: Indel.
Coding change: c.2498_2503delinsTCAAGAGGATGTTA on transcript NM_000038.6 (MANE Select); coding-DNA positions 2498 to 2503, GCTCCT replaced by TCAAGAGGATGTTA.
Protein change: p.Ser833fs; shifts the reading frame from serine 833.
Molecular consequence: frameshift variant. On other transcripts: non-coding transcript variant (2).
Genome position (GRCh38, 1-based): chr5:112,838,092-112,838,097, GCTCCT replaced by TCAAGAGGATGTTA. VCF-style: chr5-112838092-GCTCCT-TCAAGAGGATGTTA. GRCh37 (hg19) VCF-style: chr5-112173789-GCTCCT-TCAAGAGGATGTTA.
Other names: c.2498_2503delinsTCAAGAGGATGTTA, p.Ser833fs (NM_001127510.3, NM_001354895.2, NM_001407450.1); c.2444_2449delinsTCAAGAGGATGTTA, p.Ser815fs (NM_001127511.3); c.2552_2557delinsTCAAGAGGATGTTA, p.Ser851fs (NM_001354896.2, NM_001407447.1, NM_001407448.1 and 1 more transcripts); c.2528_2533delinsTCAAGAGGATGTTA, p.Ser843fs (NM_001354897.2); c.2423_2428delinsTCAAGAGGATGTTA, p.Ser808fs (NM_001354898.2); c.2414_2419delinsTCAAGAGGATGTTA, p.Ser805fs (NM_001354899.2); c.2375_2380delinsTCAAGAGGATGTTA, p.Ser792fs (NM_001354900.2); c.2321_2326delinsTCAAGAGGATGTTA, p.Ser774fs (NM_001354901.2, NM_001407453.1); and 11 more; short protein forms S449fs, S550fs, S673fs, S704fs, S707fs, S732fs, S742fs, S750fs.
Identifiers: ClinVar variation 2583315 (VCV002583315.2), dbSNP rs2533427178, ClinGen allele CA2582341470.